The following is an entry in ClinVar:

ClinVar aggregate classification (germline): Uncertain significance. Review status: criteria provided, multiple submitters, no conflicts (2 of 4 stars). 2 submissions from 2 submitters: Uncertain significance (2). Last evaluated 2024-03-25.

Conditions:
Tumoral calcinosis, hyperphosphatemic, familial, 1. Also called: HYPEROSTOSIS WITH HYPERPHOSPHATEMIA; HYPEROSTOSIS-HYPERPHOSPHATEMIA SYNDROME; CORTICAL HYPEROSTOSIS WITH HYPERPHOSPHATEMIA; CALCINOSIS, TUMORAL, WITH HYPERPHOSPHATEMIA; LIPOCALCINOGRANULOMATOSIS; MORBUS TEUTSCHLAENDER. Identifiers: Orphanet 53715, MedGen C4692564, MONDO:0100252, OMIM 211900.

Allele frequency attached by ClinVar (database versions not stated): TOPMed 0.00002.
gnomAD v4.1: 2 of 1,614,192 alleles (0.00012%); no homozygotes.

Submissions (2):

Fulgent Genetics
Classification: Uncertain significance for Tumoral calcinosis, hyperphosphatemic, familial, 1. Last evaluated: 2024-03-25. Review status: criteria provided, single submitter. Criteria: ACMG Guidelines, 2015. Collection method: clinical testing. Allele origin: germline.

Labcorp Genetics (formerly Invitae), Labcorp
Classification: Uncertain significance. Last evaluated: 2022-01-14. Review status: criteria provided, single submitter. Criteria: Invitae Variant Classification Sherloc (09022015). Collection method: clinical testing. Allele origin: germline.
Comment: This sequence change replaces valine, which is neutral and non-polar, with methionine, which is neutral and non-polar, at codon 223 of the GALNT3 protein (p.Val223Met). This variant is not present in population databases (gnomAD no frequency). This variant has not been reported in the literature in individuals affected with GALNT3-related conditions. Algorithms developed to predict the effect of missense changes on protein structure and function are either unavailable or do not agree on the potential impact of this missense change (SIFT: "Deleterious"; PolyPhen-2: "Probably Damaging"; Align-GVGD: "Class C15"). In summary, the available evidence is currently insufficient to determine the role of this variant in disease. Therefore, it has been classified as a Variant of Uncertain Significance.

NM_004482.4(GALNT3):c.667G>A (p.Val223Met)

Gene: GALNT3 (polypeptide N-acetylgalactosaminyltransferase 3; minus strand). Cytogenetic location: 2q24.3.
Variant type: single nucleotide variant.
Coding change: c.667G>A on transcript NM_004482.4 (MANE Select); coding-DNA position 667, G replaced by A.
Protein change: p.Val223Met; replaces valine 223 with methionine.
Molecular consequence: missense variant.
Genome position (GRCh38, 1-based): chr2:165,764,905, C>T on the plus strand (G>A on the coding strand, the complement: GALNT3 is on the minus strand). VCF-style: chr2-165764905-C-T. GRCh37 (hg19) VCF-style: chr2-166621415-C-T.
Other names: short protein forms V223M.
Identifiers: ClinVar variation 1444256 (VCV001444256.7), dbSNP rs1688610771, ClinGen allele CA349041358.
Genomic context (GRCh38, chr2:165,764,905, plus strand): 5'-GGATTTGGGAAACAATCTAATTTGCATGTGCTTTCTTACCATCTACACTAGCATCATCCA[C>T]CAAAATGATTTCCTTCAGCAGTATTGCAGGTGAAGAATAGAGCACACTGTGGACAGTTCT-3'
Protein context (NP_004473.2, residues 213-233): PAILLKEIIL[Val223Met]DDASVDEYLH